The following is an entry in ClinVar:

NM_022552.5(DNMT3A):c.1797G>T (p.Glu599Asp)

Gene: DNMT3A (DNA methyltransferase 3 alpha; minus strand). Cytogenetic location: 2p23.3.
Variant type: single nucleotide variant.
Coding change: c.1797G>T on transcript NM_022552.5 (MANE Select); coding-DNA position 1797, G replaced by T.
Protein change: p.Glu599Asp; replaces glutamic acid 599 with aspartic acid.
Molecular consequence: missense variant. On other transcripts: non-coding transcript variant (1).
Genome position (GRCh38, 1-based): chr2:25,244,209, C>A on the plus strand (G>T on the coding strand, the complement: DNMT3A is on the minus strand). VCF-style: chr2-25244209-C-A. GRCh37 (hg19) VCF-style: chr2-25467078-C-A.
Other names: c.1797G>T (NM_022552.3); c.1341G>T, p.Glu447Asp (NM_001320893.1); c.1128G>T, p.Glu376Asp (NM_001375819.1); c.1230G>T, p.Glu410Asp (NM_153759.3); c.1797G>T, p.Glu599Asp (NM_175629.2); short protein forms E376D, E410D, E447D, E599D.
Identifiers: ClinVar variation 3349799 (VCV003349799.2).

ClinVar aggregate classification (germline): Likely benign. Review status: criteria provided, single submitter (1 of 4 stars). 2 submissions from 2 submitters: Likely benign (1). 1 of the submissions does not count toward it. Last evaluated 2026-05-31.

Conditions:
Inborn genetic diseases. Identifiers: MedGen C0950123, MeSH D030342.
DNMT3A-related disorder. Also called: DNMT3A-related disorders; DNMT3A-related condition.

gnomAD v4.1: 5 of 1,613,946 alleles (0.00031%); highest among the groups gnomAD compares: Non-Finnish European, 0.00042%; no homozygotes.

Submissions (2):

Ambry Genetics
Classification: Likely benign for Inborn genetic diseases. Last evaluated: 2026-05-31. Review status: criteria provided, single submitter. Criteria: Ambry Variant Classification Scheme 2023. Collection method: clinical testing. Allele origin: germline.

PreventionGenetics, part of Exact Sciences
Classification: Uncertain significance for DNMT3A-related condition. Last evaluated: 2024-08-16. Review status: no assertion criteria provided. Collection method: clinical testing. Allele origin: germline. Not counted in ClinVar's aggregate classification.
Comment: The DNMT3A c.1797G>T variant is predicted to result in the amino acid substitution p.Glu599Asp. To our knowledge, this variant has not been reported in the literature. This variant is reported in 0.0035% of alleles in individuals of European (Non-Finnish) descent in gnomAD. At this time, the clinical significance of this variant is uncertain due to the absence of conclusive functional and genetic evidence.